The following is an entry in ClinVar:

ClinVar aggregate classification (germline): Pathogenic (1 of 4 stars; one submission).

Submission:

Labcorp Genetics (formerly Invitae), Labcorp
Classification: Pathogenic. Last evaluated: 2025-02-24. Review status: criteria provided, single submitter. Criteria: Invitae Variant Classification Sherloc (09022015). Collection method: clinical testing. Allele origin: germline.
Comment: This sequence change creates a premature translational stop signal (p.Asp709Thrfs*26) in the EPHB4 gene. It is expected to result in an absent or disrupted protein product. Loss-of-function variants in EPHB4 are known to be pathogenic (PMID: 28687708). This variant is not present in population databases (gnomAD no frequency). This variant has not been reported in the literature in individuals affected with EPHB4-related conditions. For these reasons, this variant has been classified as Pathogenic.

Literature cited by the submitters: PubMed 28687708.

NM_004444.5(EPHB4):c.2125del (p.Asp709fs)

Gene: EPHB4 (EPH receptor B4; minus strand). Cytogenetic location: 7q22.1.
Variant type: Deletion.
Coding change: c.2125del on transcript NM_004444.5 (MANE Select); coding-DNA position 2125, one base deleted (G; older notation c.2125delG).
Protein change: p.Asp709fs; shifts the reading frame from aspartic acid 709.
Molecular consequence: frameshift variant.
Genome position (GRCh38, 1-based): chr7:100,807,574, C deleted on the plus strand (G on the coding strand, the reverse complement: EPHB4 is on the minus strand). VCF-style (leftmost placement, unchanged base first): chr7-100807573-TC-T. GRCh37 (hg19) VCF-style: chr7-100405195-TC-T.
Other names: short protein forms D709fs.
Identifiers: ClinVar variation 3729752 (VCV003729752.2).
Genomic context (GRCh38, chr7:100,807,573, plus strand): 5'-CGCATGCCCGAGGCGATGCCCCGCAGCATGCCCACGAGCTGGATGACTGTGAACTGTCCG[TC>T]GTTTAGCTGGAGAGCAGATAGGGTGGGGGCTTGGTGAGGACAGCCCACCCACCGTTCCCC-3'